The following is an entry in ClinVar:

ClinVar aggregate classification (germline): Uncertain significance (1 of 4 stars; one submission).

Conditions:
Cardiovascular phenotype. Identifiers: MedGen CN230736.

Allele frequency attached by ClinVar (database versions not stated): TOPMed below 0.00001; gnomAD 0.00001; gnomAD exomes 0.00001.
gnomAD v4.1: 11 of 1,613,992 alleles (0.00068%); highest among the groups gnomAD compares: Non-Finnish European, 0.00093%; no homozygotes.

Submission:

Ambry Genetics
Classification: Uncertain significance for Cardiovascular phenotype. Last evaluated: 2020-10-29. Review status: criteria provided, single submitter. Criteria: Ambry Variant Classification Scheme 2023. Collection method: clinical testing. Allele origin: germline.
Comment: The p.V389I variant (also known as c.1165G>A), located in coding exon 9 of the SCN10A gene, results from a G to A substitution at nucleotide position 1165. The valine at codon 389 is replaced by isoleucine, an amino acid with highly similar properties. This amino acid position is not well conserved in available vertebrate species, and isoleucine is the reference amino acid in other vertebrate species. In addition, the in silico prediction for this alteration is inconclusive. Since supporting evidence is limited at this time, the clinical significance of this alteration remains unclear.

NM_006514.4(SCN10A):c.1165G>A (p.Val389Ile)

Gene: SCN10A (sodium voltage-gated channel alpha subunit 10; minus strand). Cytogenetic location: 3p22.2.
Variant type: single nucleotide variant.
Coding change: c.1165G>A on transcript NM_006514.4 (MANE Select); coding-DNA position 1165, G replaced by A.
Protein change: p.Val389Ile; replaces valine 389 with isoleucine.
Molecular consequence: missense variant.
Genome position (GRCh38, 1-based): chr3:38,756,799, C>T on the plus strand (G>A on the coding strand, the complement: SCN10A is on the minus strand). VCF-style: chr3-38756799-C-T. GRCh37 (hg19) VCF-style: chr3-38798290-C-T.
Other names: c.1165G>A, p.Val389Ile (NM_001293306.2, NM_001293307.2); short protein forms V389I.
Identifiers: ClinVar variation 1738072 (VCV001738072.2), dbSNP rs1177765772, ClinGen allele CA352169831.